The following is an entry in ClinVar:

NM_002340.6(LSS):c.1988G>A (p.Arg663Gln)

Gene: LSS (lanosterol synthase; minus strand). Cytogenetic location: 21q22.3.
Variant type: single nucleotide variant.
Coding change: c.1988G>A on transcript NM_002340.6 (MANE Select); coding-DNA position 1988, G replaced by A.
Protein change: p.Arg663Gln; replaces arginine 663 with glutamine.
Molecular consequence: missense variant.
Genome position (GRCh38, 1-based): chr21:46,194,491, C>T on the plus strand (G>A on the coding strand, the complement: LSS is on the minus strand). VCF-style: chr21-46194491-C-T. GRCh37 (hg19) VCF-style: chr21-47614405-C-T.
Other names: NC_000021.8:g.47614405C>T; c.1988G>A, p.Arg663Gln (NM_001001438.3); c.1955G>A, p.Arg652Gln (NM_001145436.2); c.1748G>A, p.Arg583Gln (NM_001145437.2); short protein forms R583Q, R663Q, R652Q.
Identifiers: ClinVar variation 4455450 (VCV004455450.2).

ClinVar aggregate classification (germline): Uncertain significance (1 of 4 stars; one submission).

gnomAD v4.1: 8 of 1,613,418 alleles (0.0005%); highest among the groups gnomAD compares: African/African-American, 0.0013%; no homozygotes.

Submissions (2):

Labcorp Genetics (formerly Invitae), Labcorp
Classification: Uncertain significance. Last evaluated: 2025-08-15. Review status: criteria provided, single submitter. Criteria: Invitae Variant Classification Sherloc (09022015). Collection method: clinical testing. Allele origin: germline.
Comment: This sequence change replaces arginine, which is basic and polar, with glutamine, which is neutral and polar, at codon 663 of the LSS protein (p.Arg663Gln). This variant also falls at the last nucleotide of exon 20, which is part of the consensus splice site for this exon. This variant is present in population databases (rs746743234, gnomAD no frequency). This variant has not been reported in the literature in individuals affected with LSS-related conditions. An algorithm developed to predict the effect of missense changes on protein structure and function (PolyPhen-2) suggests that this variant is likely to be disruptive. Variants that disrupt the consensus splice site are a relatively common cause of aberrant splicing (PMID: 17576681, 9536098). In summary, the available evidence is currently insufficient to determine the role of this variant in disease. Therefore, it has been classified as a Variant of Uncertain Significance.

Dr. Peter K. Rogan Lab, Western University
No classification provided (evidence only). Condition: Hepatocellular carcinoma. Review status: no classification provided. Collection method: in vitro. Allele origin: not applicable. Functional consequence: retained intron. Not counted in ClinVar's aggregate classification.

Literature cited by the submitters: PubMed 17576681 (cited by Labcorp Genetics (formerly Invitae), Labcorp); PubMed 9536098 (cited by Labcorp Genetics (formerly Invitae), Labcorp).